The following is an entry in ClinVar:

ClinVar aggregate classification (germline): Uncertain significance (1 of 4 stars; one submission).

Conditions:
Baller-Gerold syndrome (BGS). Also called: CRANIOSYNOSTOSIS WITH RADIAL DEFECTS. Identifiers: Orphanet 1225, MedGen C0265308, MONDO:0009039, OMIM 218600.

Allele frequency attached by ClinVar (database versions not stated): gnomAD 0.00001 and 0.00002; gnomAD exomes 0.00001; TOPMed 0.00001; ExAC 0.00002; 1000 Genomes Project 0.00040.

Submission:

Labcorp Genetics (formerly Invitae), Labcorp
Classification: Uncertain significance for Baller-Gerold syndrome. Last evaluated: 2023-11-08. Review status: criteria provided, single submitter. Criteria: Invitae Variant Classification Sherloc (09022015). Collection method: clinical testing. Allele origin: germline.
Comment: This sequence change replaces glutamic acid, which is acidic and polar, with lysine, which is basic and polar, at codon 1153 of the RECQL4 protein (p.Glu1153Lys). This variant is present in population databases (rs564143545, gnomAD 0.009%). This variant has not been reported in the literature in individuals affected with RECQL4-related conditions. ClinVar contains an entry for this variant (Variation ID: 459482). Advanced modeling of protein sequence and biophysical properties (such as structural, functional, and spatial information, amino acid conservation, physicochemical variation, residue mobility, and thermodynamic stability) performed at Invitae indicates that this missense variant is expected to disrupt RECQL4 protein function with a positive predictive value of 80%. In summary, the available evidence is currently insufficient to determine the role of this variant in disease. Therefore, it has been classified as a Variant of Uncertain Significance.

NM_004260.4(RECQL4):c.3457G>A (p.Glu1153Lys)

Gene: RECQL4 (RecQ like helicase 4; minus strand). Cytogenetic location: 8q24.3.
Variant type: single nucleotide variant.
Coding change: c.3457G>A on transcript NM_004260.4 (MANE Select); coding-DNA position 3457, G replaced by A.
Protein change: p.Glu1153Lys; replaces glutamic acid 1153 with lysine.
Molecular consequence: missense variant.
Genome position (GRCh38, 1-based): chr8:144,511,726, C>T on the plus strand (G>A on the coding strand, the complement: RECQL4 is on the minus strand). VCF-style: chr8-144511726-C-T. GRCh37 (hg19) VCF-style: chr8-145737109-C-T.
Other names: short protein forms E1153K.
Identifiers: ClinVar variation 459482 (VCV000459482.6), dbSNP rs564143545, ClinGen allele CA4947732.
Genomic context (GRCh38, chr8:144,511,726, plus strand): 5'-CCTCCCAGGCCTCACCGATGCCGTGGAAGATGCGGGCCACAGCCCTGCTGGAGAACTTCT[C>T]CTCTGGCCTCAGGGACAGGAACTGGCGGATGTCGCAGCGGACCTGGTCCTCCCAATCCTG-3'
Protein context (NP_004251.4, residues 1143-1163): IRQFLSLRPE[Glu1153Lys]KFSSRAVARI